The following is an entry in ClinVar:

NM_024664.4(PPCS):c.631C>T (p.Pro211Ser)

Genes: CCDC30 (coiled-coil domain containing 30; plus strand), PPCS (phosphopantothenoylcysteine synthetase; plus strand). Cytogenetic location: 1p34.2.
Variant type: single nucleotide variant.
Coding change: c.631C>T on transcript NM_024664.4 (MANE Select); coding-DNA position 631, C replaced by T.
Protein change: p.Pro211Ser; replaces proline 211 with serine.
Molecular consequence: missense variant. On other transcripts: intron variant (2).
Genome position (GRCh38, 1-based): chr1:42,459,621, C>T. VCF-style: chr1-42459621-C-T. GRCh37 (hg19) VCF-style: chr1-42925292-C-T.
Other names: c.112C>T, p.Pro38Ser (NM_001077447.3, NM_001287506.1, NM_001287508.2 and 2 more transcripts); c.13C>T, p.Pro5Ser (NM_001287507.1); c.-880+2271C>T (NM_001355226.2); c.612+2271C>T (NM_001287511.2); short protein forms P211S, P38S, P5S.
Identifiers: ClinVar variation 1465619 (VCV001465619.7), dbSNP rs2148421401, ClinGen allele CA339949054.
Genomic context (GRCh38, chr1:42,459,621, plus strand): 5'-TGACCATTGTTTGCTTATTAAGCTTTTCTTTTTCCAATACAGATAACAATGAAGATGGTG[C>T]CAAAACTGCTTTCTCCTTTGGTTAAAGATTGGGCTCCCAAAGCATTTATAATTTCCTTTA-3'
Protein context (NP_078940.2, residues 201-221): GPLQITMKMV[Pro211Ser]KLLSPLVKDW

ClinVar aggregate classification (germline): Uncertain significance (1 of 4 stars; one submission).

Submission:

Labcorp Genetics (formerly Invitae), Labcorp
Classification: Uncertain significance. Last evaluated: 2022-08-23. Review status: criteria provided, single submitter. Criteria: Invitae Variant Classification Sherloc (09022015). Collection method: clinical testing. Allele origin: germline.
Comment: This sequence change replaces proline, which is neutral and non-polar, with serine, which is neutral and polar, at codon 211 of the PPCS protein (p.Pro211Ser). This variant is not present in population databases (gnomAD no frequency). This variant has not been reported in the literature in individuals affected with PPCS-related conditions. ClinVar contains an entry for this variant (Variation ID: 1465619). Algorithms developed to predict the effect of missense changes on protein structure and function (SIFT, PolyPhen-2, Align-GVGD) all suggest that this variant is likely to be disruptive. In summary, the available evidence is currently insufficient to determine the role of this variant in disease. Therefore, it has been classified as a Variant of Uncertain Significance.